The following is an entry in ClinVar:

NM_000552.5(VWF):c.3479del (p.Pro1160fs)

Gene: VWF (von Willebrand factor; minus strand). Cytogenetic location: 12p13.31.
Variant type: Deletion.
Coding change: c.3479del on transcript NM_000552.5 (MANE Select); coding-DNA position 3479, one base deleted (C; older notation c.3479delC).
Protein change: p.Pro1160fs; shifts the reading frame from proline 1160.
Molecular consequence: frameshift variant.
Genome position (GRCh38, 1-based): chr12:6,022,799, G deleted on the plus strand (C on the coding strand, the reverse complement: VWF is on the minus strand); the first of 3 consecutive G bases (chr12:6,022,799-6,022,801); deleting any one gives the same sequence. VCF-style (leftmost placement, unchanged base first): chr12-6022798-AG-A. GRCh37 (hg19) VCF-style: chr12-6131964-AG-A.
Other names: short protein forms P1160fs.
Identifiers: ClinVar variation 4975016 (VCV004975016.1).

ClinVar aggregate classification (germline): Pathogenic (1 of 4 stars; one submission).

Conditions:
Primary immunodeficiency or monogenic inflammatory bowel disease.

Submission:

North West Genomic Laboratory Hub, Manchester University NHS Foundation Trust
Classification: Pathogenic for Primary immunodeficiency or monogenic inflammatory bowel disease. Last evaluated: 2025-10-07. Review status: criteria provided, single submitter. Criteria: ACGS Best Practice Guidelines for Variant Classification in Rare Disease 2024. Collection method: clinical testing. Allele origin: germline. Affected: yes.
Comment: PM2_Mod PVS1_VStr